The following is an entry in ClinVar:

NM_001105206.3(LAMA4):c.2207T>C (p.Leu736Pro)

Gene: LAMA4 (laminin subunit alpha 4; minus strand). Cytogenetic location: 6q21.
Variant type: single nucleotide variant.
Coding change: c.2207T>C on transcript NM_001105206.3 (MANE Select); coding-DNA position 2207, T replaced by C.
Protein change: p.Leu736Pro; replaces leucine 736 with proline.
Molecular consequence: missense variant.
Genome position (GRCh38, 1-based): chr6:112,148,303, A>G on the plus strand (T>C on the coding strand, the complement: LAMA4 is on the minus strand). VCF-style: chr6-112148303-A-G. GRCh37 (hg19) VCF-style: chr6-112469505-A-G.
Other names: c.2186T>C, p.Leu729Pro (NM_001105207.3, NM_002290.5); short protein forms L729P, L736P.
Identifiers: ClinVar variation 2966926 (VCV002966926.3), dbSNP rs2547044946, ClinGen allele CA365383717.
Genomic context (GRCh38, chr6:112,148,303, plus strand): 5'-GCCATGGGGGCAGTGGCCTGCTGCACCTCCATCGTCGTCCTGTTGGCTTCCTCGGTGATC[A>G]GTCTAGACTGCCCCAGGCGCTGCTGGGCATCCCCTTTACACAGAGCACAGGGTCATTCAC-3'
Protein context (NP_001098676.2, residues 726-746): DAQQRLGQSR[Leu736Pro]ITEEANRTTM

ClinVar aggregate classification (germline): Uncertain significance (1 of 4 stars; one submission).

Conditions:
Dilated cardiomyopathy 1JJ (CMD1JJ). Identifiers: Orphanet 154, MedGen C3808935, MONDO:0014095, OMIM 615235.

Submission:

Labcorp Genetics (formerly Invitae), Labcorp
Classification: Uncertain significance for Dilated cardiomyopathy 1JJ. Last evaluated: 2023-05-22. Review status: criteria provided, single submitter. Criteria: Invitae Variant Classification Sherloc (09022015). Collection method: clinical testing. Allele origin: germline.
Comment: In summary, the available evidence is currently insufficient to determine the role of this variant in disease. Therefore, it has been classified as a Variant of Uncertain Significance. An algorithm developed to predict the effect of missense changes on protein structure and function (PolyPhen-2) suggests that this variant is likely to be disruptive. This variant has not been reported in the literature in individuals affected with LAMA4-related conditions. This variant is not present in population databases (gnomAD no frequency). This sequence change replaces leucine, which is neutral and non-polar, with proline, which is neutral and non-polar, at codon 729 of the LAMA4 protein (p.Leu729Pro).